The following is an entry in ClinVar:

ClinVar aggregate classification (germline): Uncertain significance (1 of 4 stars; one submission).

Allele frequency attached by ClinVar (database versions not stated): gnomAD exomes 0.00008; gnomAD 0.00027; TOPMed 0.00032; 1000 Genomes Project 0.00080; ExAC 0.00134; 1000 Genomes Project 30x 0.00234.
gnomAD v4.1: 136 of 1,182,830 alleles (0.011%); highest among the groups gnomAD compares: East Asian, 0.4%; 1 homozygote.

Submission:

Labcorp Genetics (formerly Invitae), Labcorp
Classification: Uncertain significance. Last evaluated: 2024-09-18. Review status: criteria provided, single submitter. Criteria: Invitae Variant Classification Sherloc (09022015). Collection method: clinical testing. Allele origin: germline.
Comment: This sequence change replaces asparagine, which is neutral and polar, with threonine, which is neutral and polar, at codon 5 of the PPP2R5C protein (p.Asn5Thr). The frequency data for this variant in the population databases is considered unreliable, as metrics indicate poor data quality at this position in the gnomAD database. This variant has not been reported in the literature in individuals affected with PPP2R5C-related conditions. Experimental studies and prediction algorithms are not available or were not evaluated, and the functional significance of this variant is currently unknown. In summary, the available evidence is currently insufficient to determine the role of this variant in disease. Therefore, it has been classified as a Variant of Uncertain Significance.

NM_001352913.2(PPP2R5C):c.14A>C (p.Asn5Thr)

Gene: PPP2R5C (protein phosphatase 2 regulatory subunit B'gamma; plus strand). Cytogenetic location: 14q32.31.
Variant type: single nucleotide variant.
Coding change: c.14A>C on transcript NM_001352913.2 (MANE Select); coding-DNA position 14, A replaced by C.
Protein change: p.Asn5Thr; replaces asparagine 5 with threonine.
Molecular consequence: missense variant. On other transcripts: intron variant (1).
Genome position (GRCh38, 1-based): chr14:101,761,907, A>C. VCF-style: chr14-101761907-A-C. GRCh37 (hg19) VCF-style: chr14-102228244-A-C.
Other names: c.14A>C, p.Asn5Thr (NM_001161725.2, NM_001161726.2); c.43-998A>C (NM_001352914.2); short protein forms N5T.
Identifiers: ClinVar variation 2713726 (VCV002713726.3), dbSNP rs568627180, ClinGen allele CA7350857.